The following is an entry in ClinVar:

NM_001903.5(CTNNA1):c.334G>T (p.Ala112Ser)

Gene: CTNNA1 (catenin alpha 1; plus strand). Cytogenetic location: 5q31.2.
Variant type: single nucleotide variant.
Coding change: c.334G>T on transcript NM_001903.5 (MANE Select); coding-DNA position 334, G replaced by T.
Protein change: p.Ala112Ser; replaces alanine 112 with serine.
Molecular consequence: missense variant. On other transcripts: intron variant (1).
Genome position (GRCh38, 1-based): chr5:138,810,070, G>T. VCF-style: chr5-138810070-G-T. GRCh37 (hg19) VCF-style: chr5-138145759-G-T.
Other names: c.334G>T, p.Ala112Ser (NM_001290307.3, NM_001323982.2, NM_001323983.1 and 3 more transcripts); c.25G>T, p.Ala9Ser (NM_001290309.3); c.-5-31G>T (NM_001290310.3); short protein forms A112S, A9S.
Identifiers: ClinVar variation 3498256 (VCV003498256.1).
Genomic context (GRCh38, chr5:138,810,070, plus strand): 5'-TGAGTTTGTTTTTCATTCTGTAAAACAGGTGATTTGATGAAGGCTGCTGCAGGAGAGTTC[G>T]CAGATGATCCCTGCTCTTCTGTGAAGCGAGGCAACATGGTTCGGGCAGCTCGAGCTTTGC-3'
Protein context (NP_001894.2, residues 102-122): DLMKAAAGEF[Ala112Ser]DDPCSSVKRG

ClinVar aggregate classification (germline): Uncertain significance (1 of 4 stars; one submission).

Conditions:
Hereditary cancer-predisposing syndrome. Also called: Tumor predisposition; Neoplastic Syndromes, Hereditary; Hereditary Cancer Syndrome; Hereditary neoplastic syndrome. Identifiers: Orphanet 140162, MedGen C0027672, MeSH D009386, MONDO:0015356.

gnomAD v4.1: 1 of 1,613,278 alleles (0.000062%); highest among the groups gnomAD compares: Non-Finnish European, 0.000085%; no homozygotes.

Submission:

Ambry Genetics
Classification: Uncertain significance for Hereditary cancer-predisposing syndrome. Last evaluated: 2024-10-25. Review status: criteria provided, single submitter. Criteria: Ambry Variant Classification Scheme 2023. Collection method: clinical testing. Allele origin: germline.
Comment: The p.A112S variant (also known as c.334G>T), located in coding exon 3 of the CTNNA1 gene, results from a G to T substitution at nucleotide position 334. The alanine at codon 112 is replaced by serine, an amino acid with similar properties. This amino acid position is conserved. In addition, the in silico prediction for this alteration is inconclusive. Based on the available evidence, the clinical significance of this variant remains unclear.